The following is an entry in ClinVar:

NM_001190274.2(FBXO11):c.130C>T (p.Gln44Ter)

Genes: FBXO11 (F-box protein 11; minus strand), LOC100506235 (uncharacterized LOC100506235; plus strand). Cytogenetic location: 2p16.3.
Variant type: single nucleotide variant.
Coding change: c.130C>T on transcript NM_001190274.2 (MANE Select); coding-DNA position 130, C replaced by T.
Protein change: p.Gln44Ter; replaces glutamine 44 with a stop codon.
Molecular consequence: nonsense. On other transcripts: non-coding transcript variant (1).
Genome position (GRCh38, 1-based): chr2:47,905,591, G>A on the plus strand (C>T on the coding strand, the complement: FBXO11 is on the minus strand). VCF-style: chr2-47905591-G-A. GRCh37 (hg19) VCF-style: chr2-48132730-G-A.
Other names: short protein forms Q44*.
Identifiers: ClinVar variation 1799565 (VCV001799565.1), dbSNP rs2528154002, ClinGen allele CA346812675.

ClinVar aggregate classification (germline): Likely pathogenic (1 of 4 stars; one submission).

Conditions:
Intellectual developmental disorder with dysmorphic facies and behavioral abnormalities. Identifiers: MedGen C4748135, MONDO:0060760, OMIM 618089.

Submission:

Variantyx, Inc.
Classification: Likely pathogenic for Intellectual developmental disorder with dysmorphic facies and behavioral abnormalities. Last evaluated: 2022-11-07. Review status: criteria provided, single submitter. Criteria: Variantyx Assertion Criteria 2022. Collection method: clinical testing. Allele origin: germline. Inheritance: Autosomal dominant inheritance. Affected: yes.
Comment: This is a nonsense variant in the FBXO11 gene (OMIM 607871). Heterozygous pathogenic variants in this gene have been associated with autosomal dominant intellectual developmental disorder with dysmorphic facies and behavioral abnormalities (IDDFBA). This variant introduces a premature termination codon in exon 1 out of 23. It is expected to result in loss of function, which is a known disease mechanism for FBXO11 in this disorder (PMID: 30057029, 30679813) (PVS1). This variant is absent from control populations (PM2_Supporting). This variant has not been previously reported in the medical literature. Based on the current evidence, this variant is classified as likely pathogenic for autosomal dominant IDDFBA.

Literature cited by the submitters: PubMed 30057029; PubMed 30679813.